The following is an entry in ClinVar:

ClinVar aggregate classification (germline): Uncertain significance (1 of 4 stars; one submission).

Conditions:
Cardiovascular phenotype. Identifiers: MedGen CN230736.

Allele frequency attached by ClinVar (database versions not stated): gnomAD exomes 0.00001; ExAC 0.00003.
gnomAD v4.1: 3 of 1,607,352 alleles (0.00019%); highest among the groups gnomAD compares: Non-Finnish European, 0.00025%; no homozygotes.

Submission:

Ambry Genetics
Classification: Uncertain significance for Cardiovascular phenotype. Last evaluated: 2020-09-23. Review status: criteria provided, single submitter. Criteria: Ambry Variant Classification Scheme 2023. Collection method: clinical testing. Allele origin: germline.
Comment: The p.S56C variant (also known as c.167C>G), located in coding exon 1 of the TNXB gene, results from a C to G substitution at nucleotide position 167. The serine at codon 56 is replaced by cysteine, an amino acid with dissimilar properties. This amino acid position is well conserved in available vertebrate species. In addition, the in silico prediction for this alteration is inconclusive. Since supporting evidence is limited at this time, the clinical significance of this alteration remains unclear.

NM_001365276.2(TNXB):c.167C>G (p.Ser56Cys)

Gene: TNXB (tenascin XB; minus strand). Cytogenetic location: 6p21.33.
Variant type: single nucleotide variant.
Coding change: c.167C>G on transcript NM_001365276.2 (MANE Select); coding-DNA position 167, C replaced by G.
Protein change: p.Ser56Cys; replaces serine 56 with cysteine.
Molecular consequence: missense variant.
Genome position (GRCh38, 1-based): chr6:32,098,032, G>C on the plus strand (C>G on the coding strand, the complement: TNXB is on the minus strand). VCF-style: chr6-32098032-G-C. GRCh37 (hg19) VCF-style: chr6-32065809-G-C.
Other names: c.167C>G, p.Ser56Cys (NM_019105.8); short protein forms S56C.
Identifiers: ClinVar variation 1777867 (VCV001777867.2), dbSNP rs751628394, ClinGen allele CA3735895.